The following is an entry in ClinVar:

NM_006206.6(PDGFRA):c.1330G>A (p.Asp444Asn)

Gene: PDGFRA (platelet derived growth factor receptor alpha; plus strand). Cytogenetic location: 4q12.
Variant type: single nucleotide variant.
Coding change: c.1330G>A on transcript NM_006206.6 (MANE Select); coding-DNA position 1330, G replaced by A.
Protein change: p.Asp444Asn; replaces aspartic acid 444 with asparagine.
Molecular consequence: missense variant.
Genome position (GRCh38, 1-based): chr4:54,272,486, G>A. VCF-style: chr4-54272486-G-A. GRCh37 (hg19) VCF-style: chr4-55138653-G-A.
Other names: c.1330G>A, p.Asp444Asn (NM_001347827.2, NM_001347829.2); c.1405G>A, p.Asp469Asn (NM_001347828.2); c.1369G>A, p.Asp457Asn (NM_001347830.2); c.1330G>A (NM_006206.4); short protein forms D444N, D457N, D469N.
Identifiers: ClinVar variation 1062214 (VCV001062214.10), dbSNP rs745702167, ClinGen allele CA356892315.

ClinVar aggregate classification (germline): Uncertain significance. Review status: criteria provided, multiple submitters, no conflicts (2 of 4 stars). 2 submissions from 2 submitters: Uncertain significance (2). Last evaluated 2024-08-19.

Conditions:
Gastrointestinal stromal tumor. Also called: Gastrointestinal stromal tumor, somatic; Gastrointestinal stroma tumor. Identifiers: Orphanet 44890, MedGen C0238198, MeSH D046152, MONDO:0011719, OMIM 606764, HP:0100723.
Hereditary cancer-predisposing syndrome. Also called: Tumor predisposition; Neoplastic Syndromes, Hereditary; Hereditary neoplastic syndrome; Hereditary Cancer Syndrome. Identifiers: Orphanet 140162, MedGen C0027672, MeSH D009386, MONDO:0015356.

Submissions (2):

Ambry Genetics
Classification: Uncertain significance for Hereditary cancer-predisposing syndrome. Last evaluated: 2024-08-19. Review status: criteria provided, single submitter. Criteria: Ambry Variant Classification Scheme 2023. Collection method: clinical testing. Allele origin: germline.
Comment: The p.D444N variant (also known as c.1330G>A), located in coding exon 8 of the PDGFRA gene, results from a G to A substitution at nucleotide position 1330. The aspartic acid at codon 444 is replaced by asparagine, an amino acid with highly similar properties. This amino acid position is conserved. In addition, this alteration is predicted to be tolerated by in silico analysis. Based on the available evidence, the clinical significance of this variant remains unclear.

Labcorp Genetics (formerly Invitae), Labcorp
Classification: Uncertain significance for Gastrointestinal stromal tumor. Last evaluated: 2021-04-23. Review status: criteria provided, single submitter. Criteria: Invitae Variant Classification Sherloc (09022015). Collection method: clinical testing. Allele origin: germline.
Comment: In summary, the available evidence is currently insufficient to determine the role of this variant in disease. Therefore, it has been classified as a Variant of Uncertain Significance. Algorithms developed to predict the effect of missense changes on protein structure and function output the following: SIFT: "Tolerated"; PolyPhen-2: "Benign"; Align-GVGD: "Class C0". The asparagine amino acid residue is found in multiple mammalian species, suggesting that this missense change does not adversely affect protein function. These predictions have not been confirmed by published functional studies and their clinical significance is uncertain. This variant has not been reported in the literature in individuals with PDGFRA-related conditions. This variant is not present in population databases (ExAC no frequency). This sequence change replaces aspartic acid with asparagine at codon 444 of the PDGFRA protein (p.Asp444Asn). The aspartic acid residue is moderately conserved and there is a small physicochemical difference between aspartic acid and asparagine.